The following is an entry in ClinVar:

ClinVar aggregate classification (germline): Uncertain significance (1 of 4 stars; one submission).

Conditions:
Hereditary cancer-predisposing syndrome. Also called: Hereditary Cancer Syndrome; Tumor predisposition; Hereditary neoplastic syndrome; Neoplastic Syndromes, Hereditary. Identifiers: Orphanet 140162, MedGen C0027672, MeSH D009386, MONDO:0015356.

Submission:

Ambry Genetics
Classification: Uncertain significance for Hereditary cancer-predisposing syndrome. Last evaluated: 2024-08-30. Review status: criteria provided, single submitter. Criteria: Ambry Variant Classification Scheme 2023. Collection method: clinical testing. Allele origin: germline.
Comment: The p.K479N variant (also known as c.1437A>C), located in coding exon 4 of the MSH6 gene, results from an A to C substitution at nucleotide position 1437. The lysine at codon 479 is replaced by asparagine, an amino acid with similar properties. This amino acid position is conserved. In addition, the in silico prediction for this alteration is inconclusive. Based on the available evidence, the clinical significance of this variant remains unclear.

NM_000179.3(MSH6):c.1437A>C (p.Lys479Asn)

Gene: MSH6 (mutS homolog 6; plus strand). Cytogenetic location: 2p16.3.
Variant type: single nucleotide variant.
Coding change: c.1437A>C on transcript NM_000179.3 (MANE Select); coding-DNA position 1437, A replaced by C.
Protein change: p.Lys479Asn; replaces lysine 479 with asparagine.
Molecular consequence: missense variant. On other transcripts: non-coding transcript variant (4), intron variant (1).
Genome position (GRCh38, 1-based): chr2:47,799,420, A>C. VCF-style: chr2-47799420-A-C. GRCh37 (hg19) VCF-style: chr2-48026559-A-C.
Other names: c.1047A>C, p.Lys349Asn (NM_001281492.2); c.531A>C, p.Lys177Asn (NM_001281493.2, NM_001281494.2, NM_001406811.1 and 6 more transcripts); c.1533A>C, p.Lys511Asn (NM_001406795.1, NM_001406802.1); c.1437A>C, p.Lys479Asn (NM_001406796.1, NM_001406798.1, NM_001406800.1 and 4 more transcripts); c.1140A>C, p.Lys380Asn (NM_001406797.1, NM_001406801.1, NM_001406805.1 and 10 more transcripts); c.912A>C, p.Lys304Asn (NM_001406799.1, NM_001406806.1, NM_001406807.1); c.1359A>C, p.Lys453Asn (NM_001406804.1); c.1443A>C, p.Lys481Asn (NM_001406813.1); and 2 more; short protein forms K423N, K479N, K304N, K481N, K177N, K380N, K453N, K349N.
Identifiers: ClinVar variation 3398905 (VCV003398905.1).